The following is an entry in ClinVar:

NM_006208.3(ENPP1):c.2778AT[1] (p.Ter926=)

Gene: ENPP1 (ectonucleotide pyrophosphatase/phosphodiesterase 1; plus strand). Cytogenetic location: 6q23.2.
Variant type: Microsatellite.
Coding change: c.2778AT[1] on transcript NM_006208.3 (MANE Select); one copy of the 2-base unit AT starting at c.2778; the reference has two copies in a row; one copy, 2 bases deleted.
Protein change: p.Ter926=.
Molecular consequence: no sequence alteration.
Genome position (GRCh38, 1-based): chr6:131,890,513-131,890,514, AT deleted; deleting any 2 consecutive bases within chr6:131,890,511-131,890,514 gives the same sequence; the position shown is the placement nearest the transcript's 3' end. VCF-style (leftmost placement, unchanged base first): chr6-131890510-GAT-G. GRCh37 (hg19) VCF-style: chr6-132211650-GAT-G.
Identifiers: ClinVar variation 3672645 (VCV003672645.2).

ClinVar aggregate classification (germline): Uncertain significance (1 of 4 stars; one submission).

Submission:

Labcorp Genetics (formerly Invitae), Labcorp
Classification: Uncertain significance. Last evaluated: 2024-06-14. Review status: criteria provided, single submitter. Criteria: Invitae Variant Classification Sherloc (09022015). Collection method: clinical testing. Allele origin: germline.
Comment: This variant occurs in a non-coding region of the ENPP1 gene. It does not change the encoded amino acid sequence of the ENPP1 protein. This variant is present in population databases (no rsID available, gnomAD 0.006%). This variant has not been reported in the literature in individuals affected with ENPP1-related conditions. Experimental studies and prediction algorithms are not available or were not evaluated, and the functional significance of this variant is currently unknown. In summary, the available evidence is currently insufficient to determine the role of this variant in disease. Therefore, it has been classified as a Variant of Uncertain Significance.